The following is an entry in ClinVar:

NM_032119.4(ADGRV1):c.16368+2T>C

Gene: ADGRV1 (adhesion G protein-coupled receptor V1; plus strand). Cytogenetic location: 5q14.3.
Variant type: single nucleotide variant.
Coding change: c.16368+2T>C on transcript NM_032119.4 (MANE Select); the canonical splice donor site of the intron after coding-DNA position 16368, T replaced by C.
Molecular consequence: splice donor variant.
Genome position (GRCh38, 1-based): chr5:90,823,598, T>C. VCF-style: chr5-90823598-T-C. GRCh37 (hg19) VCF-style: chr5-90119415-T-C.
Identifiers: ClinVar variation 3601545 (VCV003601545.1).

ClinVar aggregate classification (germline): Likely pathogenic (1 of 4 stars; one submission).

Conditions:
Usher syndrome type 2C. Also called: Usher syndrome, type 2B; USHER SYNDROME, TYPE IIC. Identifiers: Orphanet 231178, Orphanet 886, MedGen C2931213, MONDO:0011558, OMIM 605472.

Submission:

Institute of Rare Diseases, West China Hospital, Sichuan University
Classification: Likely pathogenic for Usher syndrome type 2C. Last evaluated: 2025-01-09. Review status: criteria provided, single submitter. Criteria: ClinGen HL ACMG Specifications v1. Collection method: research. Allele origin: germline. Affected: yes.
Comment: PVS1;PM2_Supporting